The following is an entry in ClinVar:

ClinVar aggregate classification (germline): Uncertain significance. Review status: criteria provided, multiple submitters, no conflicts (2 of 4 stars). 3 submissions from 3 submitters: Uncertain significance (3). Last evaluated 2025-12-15.

Conditions:
Hereditary cancer-predisposing syndrome. Also called: Hereditary Cancer Syndrome; Neoplastic Syndromes, Hereditary; Tumor predisposition; Hereditary neoplastic syndrome. Identifiers: Orphanet 140162, MedGen C0027672, MeSH D009386, MONDO:0015356.
Neuroblastoma, susceptibility to, 3. Also called: ALK-Related Neuroblastic Tumor Susceptibility. Identifiers: Orphanet 635, MedGen C2751681, MONDO:0013083, OMIM 613014.

gnomAD v4.1: 2 of 1,614,212 alleles (0.00012%); highest among the groups gnomAD compares: Non-Finnish European, 0.000085%; no homozygotes.

Submissions (3):

Ambry Genetics
Classification: Uncertain significance for Hereditary cancer-predisposing syndrome. Last evaluated: 2025-12-15. Review status: criteria provided, single submitter. Criteria: Ambry Variant Classification Scheme 2023. Collection method: clinical testing. Allele origin: germline.
Comment: The p.G589V variant (also known as c.1766G>T), located in coding exon 9 of the ALK gene, results from a G to T substitution at nucleotide position 1766. The glycine at codon 589 is replaced by valine, an amino acid with dissimilar properties. This amino acid position is conserved. In addition, this alteration is predicted to be tolerated by in silico analysis. Since supporting evidence is limited at this time, the clinical significance of this alteration remains unclear.

Labcorp Genetics (formerly Invitae), Labcorp
Classification: Uncertain significance for Neuroblastoma, susceptibility to, 3. Last evaluated: 2024-02-19. Review status: criteria provided, single submitter. Criteria: Invitae Variant Classification Sherloc (09022015). Collection method: clinical testing. Allele origin: germline.
Comment: This sequence change replaces glycine, which is neutral and non-polar, with valine, which is neutral and non-polar, at codon 589 of the ALK protein (p.Gly589Val). This variant is not present in population databases (gnomAD no frequency). This variant has not been reported in the literature in individuals affected with ALK-related conditions. ClinVar contains an entry for this variant (Variation ID: 1008766). An algorithm developed to predict the effect of missense changes on protein structure and function (PolyPhen-2) suggests that this variant is likely to be disruptive. In summary, the available evidence is currently insufficient to determine the role of this variant in disease. Therefore, it has been classified as a Variant of Uncertain Significance.

Fulgent Genetics
Classification: Uncertain significance for Neuroblastoma, susceptibility to, 3. Last evaluated: 2024-01-22. Review status: criteria provided, single submitter. Criteria: ACMG Guidelines, 2015. Collection method: clinical testing. Allele origin: germline.

NM_004304.5(ALK):c.1766G>T (p.Gly589Val)

Gene: ALK (ALK receptor tyrosine kinase; minus strand). Cytogenetic location: 2p23.2.
Variant type: single nucleotide variant.
Coding change: c.1766G>T on transcript NM_004304.5 (MANE Select); coding-DNA position 1766, G replaced by T.
Protein change: p.Gly589Val; replaces glycine 589 with valine.
Molecular consequence: missense variant.
Genome position (GRCh38, 1-based): chr2:29,296,939, C>A on the plus strand (G>T on the coding strand, the complement: ALK is on the minus strand). VCF-style: chr2-29296939-C-A. GRCh37 (hg19) VCF-style: chr2-29519805-C-A.
Other names: c.1766G>T (NM_004304.4); short protein forms G589V.
Identifiers: ClinVar variation 1008766 (VCV001008766.12), dbSNP rs769505453, ClinGen allele CA346466058.
Genomic context (GRCh38, chr2:29,296,939, plus strand): 5'-AGAGCCTACCTGTCAGACACATCGAGGAGAGGCAACACCATCCACTGCCACAGGCTCAAG[C>A]CTTCATAGGCGGCGACATGCCAGACCATCCTGCCTTGCTCCTTCCCGGTTTTGTTCTCCA-3'
Protein context (NP_004295.2, residues 579-599): RMVWHVAAYE[Gly589Val]LSLWQWMVLP